The following is an entry in ClinVar:

NM_001145026.2(PTPRQ):c.4199C>A (p.Thr1400Asn)

Gene: PTPRQ (protein tyrosine phosphatase receptor type Q; plus strand). Cytogenetic location: 12q21.31.
Variant type: single nucleotide variant.
Coding change: c.4199C>A on transcript NM_001145026.2 (MANE Select); coding-DNA position 4199, C replaced by A.
Protein change: p.Thr1400Asn; replaces threonine 1400 with asparagine.
Molecular consequence: missense variant.
Genome position (GRCh38, 1-based): chr12:80,549,648, C>A. VCF-style: chr12-80549648-C-A. GRCh37 (hg19) VCF-style: chr12-80943427-C-A.
Other names: short protein forms T1400N.
Identifiers: ClinVar variation 3051821 (VCV003051821.3), dbSNP rs148898311, ClinGen allele CA6702708.

ClinVar aggregate classification (germline): Likely benign. Review status: criteria provided, single submitter (1 of 4 stars). 2 submissions from 2 submitters: Likely benign (1). 1 of the submissions does not count toward it. Last evaluated 2024-10-16.

Conditions:
PTPRQ-related disorder. Also called: PTPRQ-related condition.

Allele frequency attached by ClinVar (database versions not stated): gnomAD exomes 0.00009; ExAC 0.00051; gnomAD 0.00090; 1000 Genomes Project 0.00120; TOPMed 0.00130; ESP Exome Variant Server 0.00131; 1000 Genomes Project 30x 0.00141.
gnomAD v4.1: 267 of 1,551,154 alleles (0.017%); highest among the groups gnomAD compares: African/African-American, 0.32%; 3 homozygotes.

Submissions (2):

Blueprint Genetics
Classification: Likely benign. Last evaluated: 2024-10-16. Review status: criteria provided, single submitter. Criteria: ACMG Guidelines, 2015. Collection method: clinical testing. Allele origin: germline.

PreventionGenetics, part of Exact Sciences
Classification: Likely benign for PTPRQ-related condition. Last evaluated: 2024-02-19. Review status: no assertion criteria provided. Collection method: clinical testing. Allele origin: germline. Not counted in ClinVar's aggregate classification.
Comment: This variant is classified as likely benign based on ACMG/AMP sequence variant interpretation guidelines (Richards et al. 2015 PMID: 25741868, with internal and published modifications).